The following is an entry in ClinVar:

ClinVar aggregate classification (germline): Likely pathogenic (1 of 4 stars; one submission).

Conditions:
Congenital myasthenic syndrome 13 (CMS13). Also called: Myasthenic syndrome, congenital, 13, with tubular aggregates; Myasthenic syndrome, congenital, with tubular aggregates 2. Identifiers: Orphanet 353327, Orphanet 590, MedGen C3553645, MONDO:0013883, OMIM 614750.
DPAGT1-congenital disorder of glycosylation. Also called: CONGENITAL DISORDER OF GLYCOSYLATION, TYPE Ij; CDG Ij; DPAGT1-CDG. Identifiers: Orphanet 86309, MedGen C2931004, MONDO:0011964, OMIM 608093.

Submission:

Juno Genomics, Hangzhou Juno Genomics, Inc
Classification: Likely pathogenic for DPAGT1-congenital disorder of glycosylation; Congenital myasthenic syndrome 13. Review status: criteria provided, single submitter. Criteria: ACMG Guidelines, 2015. Collection method: clinical testing. Allele origin: germline. Affected: yes.
Comment: Null variant in a gene where loss of function (LOF) is a known mechanism of disease.;Absent from controls (or at extremely low frequency if recessive) in Genome Aggregation Database, Exome Sequencing Project, 1000 Genomes Project, or Exome Aggregation Consortium.

NM_001382.4(DPAGT1):c.728+1del

Gene: DPAGT1 (dolichyl-phosphate N-acetylglucosaminephosphotransferase 1; minus strand). Cytogenetic location: 11q23.3.
Variant type: Deletion.
Coding change: c.728+1del on transcript NM_001382.4 (MANE Select); the canonical splice donor site of the intron after coding-DNA position 728, one base deleted (G; older notation c.728+1delG).
Molecular consequence: splice donor variant.
Genome position (GRCh38, 1-based): chr11:119,098,402, C deleted on the plus strand (G on the coding strand, the reverse complement: DPAGT1 is on the minus strand); the first of 2 consecutive C bases (chr11:119,098,402-119,098,403); deleting either gives the same sequence. VCF-style (leftmost placement, unchanged base first): chr11-119098401-AC-A. GRCh37 (hg19) VCF-style: chr11-118969111-AC-A.
Identifiers: ClinVar variation 3382969 (VCV003382969.2).